The following is an entry in ClinVar:

ClinVar aggregate classification (germline): Benign/Likely benign. Review status: criteria provided, multiple submitters, no conflicts (2 of 4 stars). 4 submissions from 4 submitters: Benign (2); Likely benign (2). Last evaluated 2025-12-29.

Conditions:
Arrhythmogenic cardiomyopathy with wooly hair and keratoderma. Also called: PALMOPLANTAR KERATODERMA WITH LEFT VENTRICULAR CARDIOMYOPATHY AND WOOLLY HAIR; Arrhythmogenic cardiomyopathy with woolly hair and keratoderma; Dilated cardiomyopathy with woolly hair and keratoderma; Carvajal syndrome. Identifiers: Orphanet 65282, MedGen C1854063, MONDO:0011581, OMIM 605676.
Arrhythmogenic right ventricular dysplasia 8 (ARVD8). Also called: ARRHYTHMOGENIC RIGHT VENTRICULAR CARDIOMYOPATHY 8; ARRHYTHMOGENIC RIGHT VENTRICULAR DYSPLASIA, FAMILIAL, 8; Arrhythmogenic Right Ventricular Dysplasia/Cardiomyopathy 8. Identifiers: MedGen C1843896, MONDO:0011831, OMIM 607450.
Cardiovascular phenotype. Identifiers: MedGen CN230736.
Cardiomyopathy (CMYO). Also called: Cardiomyopathies. Identifiers: Orphanet 167848, MedGen C0878544, MONDO:0004994, HP:0001638. Inheritance: Various modes of inheritance.

Allele frequency attached by ClinVar (database versions not stated): gnomAD 0.00001; gnomAD exomes 0.00002 and 0.00014; TOPMed 0.00004; ExAC 0.00014; 1000 Genomes Project 30x 0.00016; 1000 Genomes Project 0.00020.
gnomAD v4.1: 31 of 1,614,232 alleles (0.0019%); highest among the groups gnomAD compares: East Asian, 0.069%; no homozygotes.

Submissions (4):

Labcorp Genetics (formerly Invitae), Labcorp
Classification: Likely benign for Arrhythmogenic cardiomyopathy with wooly hair and keratoderma; Arrhythmogenic right ventricular dysplasia 8. Last evaluated: 2025-12-29. Review status: criteria provided, single submitter. Criteria: Invitae Variant Classification Sherloc (09022015). Collection method: clinical testing. Allele origin: germline.

All of Us Research Program, National Institutes of Health
Classification: Benign for Arrhythmogenic cardiomyopathy with wooly hair and keratoderma. Last evaluated: 2024-02-05. Review status: criteria provided, single submitter. Criteria: ACMG Guidelines, 2015. Collection method: clinical testing. Allele origin: germline. Inheritance: Autosomal dominant inheritance. Observed: 2 variant alleles, 2 heterozygotes.
Comment: This study involves interpretation of variants in research participants for the purpose of population health screening. Participant phenotype was not available at the time of variant classification. Additional details can be found in publication PMID: 35346344, PMCID: PMC8962531

Color Diagnostics, LLC DBA Color Health
Classification: Benign for Cardiomyopathy. Last evaluated: 2018-10-22. Review status: criteria provided, single submitter. Criteria: ACMG Guidelines, 2015. Collection method: clinical testing. Allele origin: germline.

Ambry Genetics
Classification: Likely benign for Cardiovascular phenotype. Last evaluated: 2017-03-11. Review status: criteria provided, single submitter. Criteria: Ambry Variant Classification Scheme 2023. Collection method: clinical testing. Allele origin: germline.

NM_004415.4(DSP):c.1864C>T (p.Leu622=)

Gene: DSP (desmoplakin; plus strand). Cytogenetic location: 6p24.3.
Variant type: single nucleotide variant.
Coding change: c.1864C>T on transcript NM_004415.4 (MANE Select); coding-DNA position 1864, C replaced by T.
Protein change: p.Leu622=; no amino-acid change (leucine 622 retained).
Molecular consequence: synonymous variant.
Genome position (GRCh38, 1-based): chr6:7,571,545, C>T. VCF-style: chr6-7571545-C-T. GRCh37 (hg19) VCF-style: chr6-7571778-C-T.
Other names: c.1864C>T (LRG_423t1); c.1864C>T, p.Leu622= (NM_001008844.3, NM_001319034.2).
Identifiers: ClinVar variation 519406 (VCV000519406.17), dbSNP rs200790278, ClinGen allele CA030300.
Genomic context (GRCh38, chr6:7,571,545, plus strand): 5'-GATGATGACAAGCGGAAAATACAGTCTCAGTTCACCGATGCCCAGAAGCATTACCAGACC[C>T]TGGTCATTCAGCTCCCTGGCTATCCCCAGCACCAGACAGGTCGGCTTGGGACATCTTTCT-3'
Protein context (NP_004406.2, residues 612-632): FTDAQKHYQT[Leu622=]VIQLPGYPQH